The following is an entry in ClinVar:

NM_000501.4(ELN):c.1679del (p.Pro560fs)

Genes: ELN-AS1 (ELN antisense RNA 1; minus strand), ELN (elastin; plus strand). Cytogenetic location: 7q11.23.
Variant type: Deletion.
Coding change: c.1679del on transcript NM_000501.4 (MANE Select); coding-DNA position 1679, one base deleted (C; older notation c.1679delC).
Protein change: p.Pro560fs; shifts the reading frame from proline 560.
Molecular consequence: frameshift variant.
Genome position (GRCh38, 1-based): chr7:74,060,433, C deleted; the last of 3 consecutive C bases (chr7:74,060,431-74,060,433); deleting any one gives the same sequence. VCF-style (leftmost placement, unchanged base first): chr7-74060430-TC-T. GRCh37 (hg19) VCF-style: chr7-73474760-TC-T.
Other names: c.1592del, p.Pro531fs (NM_001081752.3); c.1637del, p.Pro546fs (NM_001081753.3); c.1694del, p.Pro565fs (NM_001081754.3); c.1622del, p.Pro541fs (NM_001081755.3); c.1679del, p.Pro560fs (NM_001278912.2); c.1436del, p.Pro479fs (NM_001278913.2); c.1607del, p.Pro536fs (NM_001278914.2); c.1697del, p.Pro566fs (NM_001278915.2); and 4 more; short protein forms P471fs, P479fs, P512fs, P531fs, P536fs, P541fs, P546fs, P550fs.
Identifiers: ClinVar variation 1074749 (VCV001074749.7), dbSNP rs2132320442, ClinGen allele CA2499219010.

ClinVar aggregate classification (germline): Pathogenic (1 of 4 stars; one submission).

Conditions:
Supravalvar aortic stenosis (SVAS). Also called: Supravalvar aortic stenosis, Eisenberg type. Identifiers: Orphanet 3193, MedGen C0003499, MONDO:0008504, OMIM 185500, HP:0004381.

Submission:

Labcorp Genetics (formerly Invitae), Labcorp
Classification: Pathogenic for Supravalvar aortic stenosis. Last evaluated: 2022-06-20. Review status: criteria provided, single submitter. Criteria: Invitae Variant Classification Sherloc (09022015). Collection method: clinical testing. Allele origin: germline.
Comment: ClinVar contains an entry for this variant (Variation ID: 1074749). For these reasons, this variant has been classified as Pathogenic. This variant has not been reported in the literature in individuals affected with ELN-related conditions. This variant is not present in population databases (gnomAD no frequency). This sequence change creates a premature translational stop signal (p.Pro589Leufs*86) in the ELN gene. It is expected to result in an absent or disrupted protein product. Loss-of-function variants in ELN are known to be pathogenic (PMID: 11175284).

Literature cited by the submitters: PubMed 11175284.